The following is an entry in ClinVar:

ClinVar aggregate classification (germline): Benign/Likely benign. Review status: criteria provided, multiple submitters, no conflicts (2 of 4 stars). 3 submissions from 3 submitters: Benign (1); Likely benign (2). Last evaluated 2026-04-15.

Conditions:
Hereditary cancer-predisposing syndrome. Also called: Hereditary neoplastic syndrome; Neoplastic Syndromes, Hereditary; Hereditary Cancer Syndrome; Tumor predisposition. Identifiers: Orphanet 140162, MedGen C0027672, MeSH D009386, MONDO:0015356.
DICER1-related tumor predisposition. Also called: DICER1-related pleuropulmonary blastoma cancer predisposition syndrome; DICER1 syndrome. Identifiers: Orphanet 284343, MedGen C3839822, MONDO:0100216.

Allele frequency attached by ClinVar (database versions not stated): TOPMed below 0.00001; ExAC 0.00002; gnomAD exomes 0.00004 and 0.00001; gnomAD 0.00001.
gnomAD v4.1: 52 of 1,613,992 alleles (0.0032%); highest among the groups gnomAD compares: Non-Finnish European, 0.0043%; no homozygotes.

Submissions (3):

Myriad Genetics, Inc.
Classification: Benign for DICER1-related tumor predisposition. Last evaluated: 2026-04-15. Review status: criteria provided, single submitter. Criteria: Myriad Autosomal Dominant, Autosomal Recessive and X-Linked Classification Criteria (2023). Collection method: clinical testing. Allele origin: unknown.
Comment: This variant is considered benign. This variant is a silent/synonymous amino acid change and it is not expected to impact splicing.

Labcorp Genetics (formerly Invitae), Labcorp
Classification: Likely benign for DICER1-related tumor predisposition. Last evaluated: 2024-11-12. Review status: criteria provided, single submitter. Criteria: Invitae Variant Classification Sherloc (09022015). Collection method: clinical testing. Allele origin: germline.

Ambry Genetics
Classification: Likely benign for Hereditary cancer-predisposing syndrome. Last evaluated: 2017-09-21. Review status: criteria provided, single submitter. Criteria: Ambry Variant Classification Scheme 2023. Collection method: clinical testing. Allele origin: germline.

NM_177438.3(DICER1):c.1491A>G (p.Glu497=)

Gene: DICER1 (dicer 1, ribonuclease III; minus strand). Cytogenetic location: 14q32.13.
Variant type: single nucleotide variant.
Coding change: c.1491A>G on transcript NM_177438.3 (MANE Select); coding-DNA position 1491, A replaced by G.
Protein change: p.Glu497=; no amino-acid change (glutamic acid 497 retained).
Molecular consequence: synonymous variant.
Genome position (GRCh38, 1-based): chr14:95,117,640, T>C on the plus strand (A>G on the coding strand, the complement: DICER1 is on the minus strand). VCF-style: chr14-95117640-T-C. GRCh37 (hg19) VCF-style: chr14-95583977-T-C.
Other names: c.1491A>G, p.Glu497= (NM_001195573.1, NM_001271282.3, NM_001291628.2 and 1 more transcripts).
Identifiers: ClinVar variation 479618 (VCV000479618.15), dbSNP rs755468128, ClinGen allele CA7331474.